The following is an entry in ClinVar:

ClinVar aggregate classification (germline): Likely benign. Review status: criteria provided, multiple submitters, no conflicts (2 of 4 stars). 3 submissions from 3 submitters: Likely benign (3). Last evaluated 2025-10-19.

Conditions:
MYH9-related disorder. Identifiers: MedGen C1854520.

Allele frequency attached by ClinVar (database versions not stated): gnomAD 0.00002; ExAC 0.00003; gnomAD exomes 0.00003 and 0.00004.
gnomAD v4.1: 44 of 1,608,560 alleles (0.0027%); highest among the groups gnomAD compares: African/African-American, 0.0054%; no homozygotes.

Submissions (3):

PreventionGenetics, part of Exact Sciences
Classification: Likely benign for MYH9-related condition. Last evaluated: 2025-10-19. Review status: criteria provided, single submitter. Criteria: ACMG Guidelines, 2015. Collection method: clinical testing. Allele origin: germline.
Comment: This variant is classified as likely benign based on ACMG/AMP sequence variant interpretation guidelines (Richards et al. 2015 PMID: 25741868, with internal and published modifications).

Labcorp Genetics (formerly Invitae), Labcorp
Classification: Likely benign. Last evaluated: 2025-05-12. Review status: criteria provided, single submitter. Criteria: Invitae Variant Classification Sherloc (09022015). Collection method: clinical testing. Allele origin: germline.

Blueprint Genetics
Classification: Likely benign. Last evaluated: 2024-10-09. Review status: criteria provided, single submitter. Criteria: ACMG Guidelines, 2015. Collection method: clinical testing. Allele origin: germline.

NM_002473.6(MYH9):c.327C>T (p.Leu109=)

Gene: MYH9 (myosin heavy chain 9; minus strand). Cytogenetic location: 22q12.3.
Variant type: single nucleotide variant.
Coding change: c.327C>T on transcript NM_002473.6 (MANE Select); coding-DNA position 327, C replaced by T.
Protein change: p.Leu109=; no amino-acid change (leucine 109 retained).
Molecular consequence: synonymous variant.
Genome position (GRCh38, 1-based): chr22:36,348,910, G>A on the plus strand (C>T on the coding strand, the complement: MYH9 is on the minus strand). VCF-style: chr22-36348910-G-A. GRCh37 (hg19) VCF-style: chr22-36744955-G-A.
Other names: c.327C>T (NM_002473.5).
Identifiers: ClinVar variation 1570585 (VCV001570585.10), dbSNP rs760484245, ClinGen allele CA10210683.